The following is an entry in ClinVar:

NM_000083.3(CLCN1):c.2831C>T (p.Pro944Leu)

Gene: CLCN1 (chloride voltage-gated channel 1; plus strand). Cytogenetic location: 7q34.
Variant type: single nucleotide variant.
Coding change: c.2831C>T on transcript NM_000083.3 (MANE Select); coding-DNA position 2831, C replaced by T.
Protein change: p.Pro944Leu; replaces proline 944 with leucine.
Molecular consequence: missense variant. On other transcripts: non-coding transcript variant (1).
Genome position (GRCh38, 1-based): chr7:143,351,829, C>T. VCF-style: chr7-143351829-C-T. GRCh37 (hg19) VCF-style: chr7-143048922-C-T.
Other names: short protein forms P944L.
Identifiers: ClinVar variation 940106 (VCV000940106.7), dbSNP rs1226179201, ClinGen allele CA369653896.

ClinVar aggregate classification (germline): Uncertain significance (1 of 4 stars; one submission).

Conditions:
Congenital myotonia, autosomal dominant form (THD). Also called: THOMSEN DISEASE; Myotonia congenita autosomal dominant. Identifiers: Orphanet 614, MedGen C2936781, MONDO:0008055, OMIM 160800.
Congenital myotonia, autosomal recessive form. Also called: Becker Generalized Myotonia; myotonia congenita, autosomal recessive; BECKER DISEASE. Identifiers: Orphanet 614, MedGen C0751360, MONDO:0009715, OMIM 255700.

Allele frequency attached by ClinVar (database versions not stated): gnomAD exomes below 0.00001 and 0.00001.
gnomAD v4.1: 16 of 1,613,948 alleles (0.00099%); highest among the groups gnomAD compares: Admixed American, 0.0017%; no homozygotes.

Submission:

Labcorp Genetics (formerly Invitae), Labcorp
Classification: Uncertain significance for Congenital myotonia, autosomal recessive form; Congenital myotonia, autosomal dominant form. Last evaluated: 2022-02-04. Review status: criteria provided, single submitter. Criteria: Invitae Variant Classification Sherloc (09022015). Collection method: clinical testing. Allele origin: germline.
Comment: This sequence change replaces proline, which is neutral and non-polar, with leucine, which is neutral and non-polar, at codon 944 of the CLCN1 protein (p.Pro944Leu). This variant is present in population databases (no rsID available, gnomAD 0.003%). This variant has not been reported in the literature in individuals affected with CLCN1-related conditions. ClinVar contains an entry for this variant (Variation ID: 940106). Advanced modeling of protein sequence and biophysical properties (such as structural, functional, and spatial information, amino acid conservation, physicochemical variation, residue mobility, and thermodynamic stability) performed at Invitae indicates that this missense variant is not expected to disrupt CLCN1 protein function. In summary, the available evidence is currently insufficient to determine the role of this variant in disease. Therefore, it has been classified as a Variant of Uncertain Significance.